The following is an entry in ClinVar:

NM_000245.4(MET):c.2243A>G (p.His748Arg)

Gene: MET (MET proto-oncogene, receptor tyrosine kinase; plus strand). Cytogenetic location: 7q31.2.
Variant type: single nucleotide variant.
Coding change: c.2243A>G on transcript NM_000245.4 (MANE Select); coding-DNA position 2243, A replaced by G.
Protein change: p.His748Arg; replaces histidine 748 with arginine.
Molecular consequence: missense variant.
Genome position (GRCh38, 1-based): chr7:116,758,599, A>G. VCF-style: chr7-116758599-A-G. GRCh37 (hg19) VCF-style: chr7-116398653-A-G.
Other names: c.2243A>G, p.His748Arg (NM_001127500.3, NM_001324401.3); c.953A>G, p.His318Arg (NM_001324402.2); short protein forms H318R, H748R.
Identifiers: ClinVar variation 2144883 (VCV002144883.2), dbSNP rs2116932613, ClinGen allele CA368980848.

ClinVar aggregate classification (germline): Uncertain significance. Review status: criteria provided, multiple submitters, no conflicts (2 of 4 stars). 2 submissions from 2 submitters: Uncertain significance (2). Last evaluated 2024-01-12.

Conditions:
Hereditary cancer-predisposing syndrome. Also called: Neoplastic Syndromes, Hereditary; Tumor predisposition; Hereditary neoplastic syndrome; Hereditary Cancer Syndrome. Identifiers: Orphanet 140162, MedGen C0027672, MeSH D009386, MONDO:0015356.
Renal cell carcinoma. Identifiers: Orphanet 217071, MedGen C0007134, MeSH D002292, MONDO:0005086, HP:0005584.

Submissions (2):

Ambry Genetics
Classification: Uncertain significance for Hereditary cancer-predisposing syndrome. Last evaluated: 2024-01-12. Review status: criteria provided, single submitter. Criteria: Ambry Variant Classification Scheme 2023. Collection method: clinical testing. Allele origin: germline.
Comment: The p.H748R variant (also known as c.2243A>G), located in coding exon 8 of the MET gene, results from an A to G substitution at nucleotide position 2243. The histidine at codon 748 is replaced by arginine, an amino acid with highly similar properties. This amino acid position is conserved. In addition, this alteration is predicted to be tolerated by in silico analysis. Since supporting evidence is limited at this time, the clinical significance of this alteration remains unclear.

Labcorp Genetics (formerly Invitae), Labcorp
Classification: Uncertain significance for Renal cell carcinoma. Last evaluated: 2022-07-01. Review status: criteria provided, single submitter. Criteria: Invitae Variant Classification Sherloc (09022015). Collection method: clinical testing. Allele origin: germline.
Comment: This sequence change replaces histidine, which is basic and polar, with arginine, which is basic and polar, at codon 748 of the MET protein (p.His748Arg). This variant is not present in population databases (gnomAD no frequency). This variant has not been reported in the literature in individuals affected with MET-related conditions. Algorithms developed to predict the effect of missense changes on protein structure and function (SIFT, PolyPhen-2, Align-GVGD) all suggest that this variant is likely to be tolerated. In summary, the available evidence is currently insufficient to determine the role of this variant in disease. Therefore, it has been classified as a Variant of Uncertain Significance.